The following is an entry in ClinVar:

NM_000059.4(BRCA2):c.6944_6947del (p.Ile2315fs)

Gene: BRCA2 (BRCA2 DNA repair associated; plus strand). Cytogenetic location: 13q13.1.
Variant type: Deletion.
Coding change: c.6944_6947del on transcript NM_000059.4 (MANE Select); coding-DNA positions 6944 to 6947, 4 bases deleted (TAAA; older notation c.6944_6947delTAAA).
Protein change: p.Ile2315fs; shifts the reading frame from isoleucine 2315.
Molecular consequence: frameshift variant.
Genome position (GRCh38, 1-based): chr13:32,346,833-32,346,836, TAAA deleted; deleting any 4 consecutive bases within chr13:32,346,831-32,346,836 gives the same sequence; the c. name uses the placement nearest the transcript's 3' end. VCF-style (leftmost placement, unchanged base first): chr13-32346830-CAATA-C. GRCh37 (hg19) VCF-style: chr13-32920967-CAATA-C.
Other names: 7172_7175del4; 7172del4; c.6944_6947delTAAA (NM_000059.3).
Identifiers: ClinVar variation 38075 (VCV000038075.38), dbSNP rs80359629, ClinGen allele CA024608.

ClinVar aggregate classification (germline): Pathogenic. Review status: reviewed by expert panel (3 of 4 stars). 18 submissions from 18 submitters: Pathogenic (1). 17 of the submissions do not count toward it. Last evaluated 2016-04-22.

Conditions:
Inherited breast cancer and ovarian cancer.
Hereditary cancer-predisposing syndrome. Also called: Hereditary Cancer Syndrome; Neoplastic Syndromes, Hereditary; Tumor predisposition; Hereditary neoplastic syndrome. Identifiers: Orphanet 140162, MedGen C0027672, MeSH D009386, MONDO:0015356.
Familial cancer of breast. Also called: Hereditary breast cancer; hereditary breast carcinoma; BREAST CANCER, FAMILIAL. Identifiers: Orphanet 227535, MedGen C0346153, MONDO:0016419, OMIM 114480. Disease mechanism: loss of function.
Breast-ovarian cancer, familial, susceptibility to, 2 (BROVCA2). Also called: BRCA2 Hereditary Breast and Ovarian Cancer. Identifiers: Orphanet 145, MedGen C2675520, MONDO:0012933, OMIM 612555. Disease mechanism: loss of function.
Hereditary breast ovarian cancer syndrome. Also called: Hereditary breast and ovarian cancer syndrome (HBOC); Breast and ovarian cancer; Hereditary breast and/or ovarian cancer syndrome; Hereditary breast and ovarian cancer syndrome; Hereditary breast and ovarian cancer; BRCA1- and BRCA2-Associated Hereditary Breast and Ovarian Cancer. Identifiers: Orphanet 145, MedGen C0677776, MeSH D061325, MONDO:0003582. Disease mechanism: loss of function.

Submissions 1 to 11 of 18:

Evidence-based Network for the Interpretation of Germline Mutant Alleles (ENIGMA)
Classification: Pathogenic for Breast-ovarian cancer, familial, susceptibility to, 2. Last evaluated: 2016-04-22. Review status: reviewed by expert panel. Criteria: ENIGMA BRCA1/2 Classification Criteria (2015). Collection method: curation. Allele origin: germline.
Comment: Variant allele predicted to encode a truncated non-functional protein.

Genomics and Molecular Medicine Service, East Genomic Laboratory Hub, NHS Genomic Medicine Service
Classification: Pathogenic for Inherited breast cancer and ovarian cancer. Last evaluated: 2026-08-26. Review status: criteria provided, single submitter. Criteria: ACGS Best Practice Guidelines for Variant Classification in Rare Disease 2020. Collection method: clinical testing. Allele origin: germline. Affected: yes. Not counted in ClinVar's aggregate classification.
Comment: PVS1,PS4_Very Strong,PM2_Supporting,PM5_Strong

Genetics Laboratory, Great Ormond Street Hospital NHS Foundation Trust, North Thames Genomic Laboratory Hub
Classification: Pathogenic for Inherited breast cancer and ovarian cancer. Last evaluated: 2026-01-08. Review status: criteria provided, single submitter. Criteria: CanVIG BRCA Gene Specific V1.22. Collection method: clinical testing. Allele origin: germline. Affected: yes. Not counted in ClinVar's aggregate classification.
Comment: PS4_very-strong, PM2_supporting, PVS1_very-strong, PM5_strong

Labcorp Genetics (formerly Invitae), Labcorp
Classification: Pathogenic for Hereditary breast ovarian cancer syndrome. Last evaluated: 2025-12-21. Review status: criteria provided, single submitter. Criteria: Invitae Variant Classification Sherloc (09022015). Collection method: clinical testing. Allele origin: germline. Not counted in ClinVar's aggregate classification.
Comment: This sequence change creates a premature translational stop signal (p.Ile2315Lysfs*12) in the BRCA2 gene. It is expected to result in an absent or disrupted protein product. Loss-of-function variants in BRCA2 are known to be pathogenic (PMID: 20104584). This variant is present in population databases (rs751065688, gnomAD 0.002%). This premature translational stop signal has been observed in individual(s) with breast cancer (PMID: 9667259, 25682074). This variant is also known as 7172del4. ClinVar contains an entry for this variant (Variation ID: 38075). For these reasons, this variant has been classified as Pathogenic.

Variantyx, Inc.
Classification: Pathogenic for Breast-ovarian cancer, familial, susceptibility to, 2. Last evaluated: 2025-07-04. Review status: criteria provided, single submitter. Criteria: Variantyx Assertion Criteria 2022. Collection method: clinical testing. Allele origin: germline. Inheritance: Autosomal dominant inheritance. Affected: yes. Not counted in ClinVar's aggregate classification.
Comment: This is a frameshift variant in the BRCA2 gene (OMIM: 600185). Pathogenic variants in this gene have been associated with autosomal dominant susceptibility to familial breast-ovarian cancer 2. This variant introduces a premature termination codon in exon 13 out of 27 and is expected to result in loss of function, which is a known disease mechanism for BRCA2 in this disorder (PMID: 20104584) (PVS1). This is a protein termination codon (PTC) variant in an exon where a different proven pathogenic PTC variant has been seen before (PM5_Strong) with a 0.0003% maximum allele frequency in non-founder control populations. It has been reported in individuals affected with breast and/or ovarian cancer (PMID: 9667259, 17636422, 25682074).Based on the current evidence, this variant is classified as pathogenic for autosomal dominant susceptibility to familial breast-ovarian cancer 2.

Ambry Genetics
Classification: Pathogenic for Hereditary cancer-predisposing syndrome. Last evaluated: 2025-01-21. Review status: criteria provided, single submitter. Criteria: Ambry Variant Classification Scheme 2023. Collection method: clinical testing. Allele origin: germline. Not counted in ClinVar's aggregate classification.
Comment: The c.6944_6947delTAAA pathogenic mutation, located in coding exon 12 of the BRCA2 gene, results from a deletion of 4 nucleotides at nucleotide positions 6944 to 6947, causing a translational frameshift with a predicted alternate stop codon (p.I2315Kfs*12). This alteration has been reported in multiple individuals with hereditary breast and/or ovarian cancer (Evans D et al. Fam. Cancer. 2008 Jul;7:113-7; Frank T et al. J. Clin. Oncol. 1998 Jul;16:2417-25; Wong-Brown MW et al. Breast Cancer Res. Treat. 2015 Feb;150(1):71-80; Rebbeck TR et al. Hum Mutat, 2018 05;39:593-620). Of note, this alteration is also designated as 7172del4 in published literature. In addition to the clinical data presented in the literature, this alteration is expected to result in loss of function by premature protein truncation or nonsense-mediated mRNA decay. As such, this alteration is interpreted as a disease-causing mutation.

Baylor Genetics
Classification: Pathogenic for Familial cancer of breast. Last evaluated: 2024-02-19. Review status: criteria provided, single submitter. Criteria: ACMG Guidelines, 2015. Collection method: clinical testing. Allele origin: unknown. Not counted in ClinVar's aggregate classification.

Department of Pathology and Laboratory Medicine, Sinai Health System
Classification: Pathogenic for Familial cancer of breast; Breast-ovarian cancer, familial, susceptibility to, 2. Last evaluated: 2023-12-18. Review status: criteria provided, single submitter. Criteria: ACMG Guidelines, 2015. Collection method: clinical testing. Allele origin: germline. Affected: yes. Not counted in ClinVar's aggregate classification.

Color Diagnostics, LLC DBA Color Health
Classification: Pathogenic for Hereditary cancer-predisposing syndrome. Last evaluated: 2023-06-26. Review status: criteria provided, single submitter. Criteria: ACMG Guidelines, 2015. Collection method: clinical testing. Allele origin: germline. Not counted in ClinVar's aggregate classification.
Comment: This variant deletes 4 nucleotides in exon 13 of the BRCA2 gene, creating a frameshift and premature translation stop signal. This variant is expected to result in an absent or non-functional protein product. This variant is also known as 7172del4 or 7172delTAAA in the literature. This variant has been reported in individuals affected with breast and/or ovarian cancer (PMID: 9667259, 17636422, 25682074) and has been identified in 13 families among the CIMBA participants (PMID: 29446198). This variant has been identified in 2/249558 chromosomes in the general population by the Genome Aggregation Database (gnomAD). Loss of BRCA2 function is a known mechanism of disease. Based on the available evidence, this variant is classified as Pathogenic.

Quest Diagnostics Nichols Institute San Juan Capistrano
Classification: Pathogenic. Last evaluated: 2021-08-30. Review status: criteria provided, single submitter. Criteria: Quest Diagnostics criteria. Collection method: clinical testing. Allele origin: unknown. Not counted in ClinVar's aggregate classification.
Comment: This frameshift variant causes the premature termination of BRCA2 protein synthesis. In addition, it has been identified in individuals with breast and ovarian cancer in the published literature (PMID: 9667259 (1998), 29446198 (2018), 25682074 (2015), 17636422 (2008)). Based on the available information, this variant is classified as pathogenic.

GeneDx
Classification: Pathogenic. Last evaluated: 2021-07-22. Review status: criteria provided, single submitter. Criteria: GeneDx Variant Classification Process June 2021. Collection method: clinical testing. Allele origin: germline. Affected: yes. Not counted in ClinVar's aggregate classification.
Comment: Frameshift variant predicted to result in protein truncation or nonsense mediated decay in a gene for which loss-of-function is a known mechanism of disease; Not observed at a significant frequency in large population cohorts (Lek 2016); Truncating variants in this gene are considered pathogenic by a well-established clinical consortium and/or database; Observed in individuals with a personal or family history consistent with pathogenic variants in this gene (Frank 1998, Evans 2008, Wong-Brown 2015, Huang 2018); Also known as 7172del4 and 7172delTAAA; This variant is associated with the following publications: (PMID: 29625052, 9667259, 17636422, 25682074, 28852190, 24307375, 28152038, 20167696, 30720243)